The following is an entry in ClinVar:

ClinVar aggregate classification (germline): Benign/Likely benign. Review status: criteria provided, multiple submitters, no conflicts (2 of 4 stars). 2 submissions from 2 submitters: Benign (1); Likely benign (1). Last evaluated 2022-08-12.

Conditions:
Isolated focal non-epidermolytic palmoplantar keratoderma. Also called: Palmoplantar keratoderma, nonepidermolytic, focal 2. Identifiers: Orphanet 448264, MedGen C4225339, MONDO:0014622, OMIM 616400.

Allele frequency attached by ClinVar (database versions not stated): gnomAD 0.00002; gnomAD exomes 0.00002; TOPMed 0.00002; ExAC 0.00004.
gnomAD v4.1: 47 of 1,583,638 alleles (0.003%); highest among the groups gnomAD compares: Non-Finnish European, 0.0037%; no homozygotes.

Submissions (2):

Labcorp Genetics (formerly Invitae), Labcorp
Classification: Likely benign. Last evaluated: 2022-08-12. Review status: criteria provided, single submitter. Criteria: Invitae Variant Classification Sherloc (09022015). Collection method: clinical testing. Allele origin: germline.

Illumina Laboratory Services, Illumina
Classification: Benign for Isolated focal non-epidermolytic palmoplantar keratoderma. Last evaluated: 2018-05-16. Review status: criteria provided, single submitter. Criteria: ICSL Variant Classification Criteria 13 December 2019. Collection method: clinical testing. Allele origin: germline.
Comment: This variant was observed in the ICSL laboratory as part of a predisposition screen in an ostensibly healthy population. It had not been previously curated by ICSL or reported in the Human Gene Mutation Database (HGMD: prior to June 1st, 2018), and was therefore a candidate for classification through an automated scoring system. Utilizing variant allele frequency, disease prevalence and penetrance estimates, and inheritance mode, an automated score was calculated to assess if this variant is too frequent to cause the disease. Based on the score and internal cut-off values, a variant classified as benign is not then subjected to further curation. The score for this variant resulted in a classification of benign for this disease.

NM_145068.4(TRPV3):c.784+11C>T

Gene: TRPV3 (transient receptor potential cation channel subfamily V member 3; minus strand). Cytogenetic location: 17p13.2.
Variant type: single nucleotide variant.
Coding change: c.784+11C>T on transcript NM_145068.4 (MANE Select); 11 bases into the intron after coding-DNA position 784, C replaced by T.
Molecular consequence: intron variant.
Genome position (GRCh38, 1-based): chr17:3,535,562, G>A on the plus strand (C>T on the coding strand, the complement: TRPV3 is on the minus strand). VCF-style: chr17-3535562-G-A. GRCh37 (hg19) VCF-style: chr17-3438856-G-A.
Other names: c.784+11C>T (NM_001258205.2).
Identifiers: ClinVar variation 892343 (VCV000892343.8), dbSNP rs757838946, ClinGen allele CA8289730.